The following is an entry in ClinVar:

ClinVar aggregate classification (germline): Pathogenic (0 of 4 stars; one submission).

Conditions:
SSR4-congenital disorder of glycosylation. Also called: CDG IY; Congenital disorder of glycosylation type 1y; SSR4-CDG. Identifiers: Orphanet 370927, MedGen C4012395, MONDO:0010490, OMIM 300934.

Submission:

Biochemistry and Genetic Laboratory, APHP Bichat Claude Bernard Hospital
Classification: Pathogenic for SSR4-congenital disorder of glycosylation. Last evaluated: 2018-06-05. Review status: no assertion criteria provided. Collection method: clinical testing. Allele origin: maternal. Inheritance: X-linked recessive inheritance. Affected: yes. Observed: 1 hemizygote.

NM_001204526.1:c.1_185del

Gene: SSR4 (signal sequence receptor subunit 4; plus strand).
Variant type: Deletion.
Identifiers: ClinVar variation 986726 (VCV000986726.2).